The following is an entry in ClinVar:

NM_003742.4(ABCB11):c.1460G>A (p.Arg487His)

Gene: ABCB11 (ATP binding cassette subfamily B member 11; minus strand). Cytogenetic location: 2q31.1.
Variant type: single nucleotide variant.
Coding change: c.1460G>A on transcript NM_003742.4 (MANE Select); coding-DNA position 1460, G replaced by A.
Protein change: p.Arg487His; replaces arginine 487 with histidine.
Molecular consequence: missense variant.
Genome position (GRCh38, 1-based): chr2:168,972,025, C>T on the plus strand (G>A on the coding strand, the complement: ABCB11 is on the minus strand). VCF-style: chr2-168972025-C-T. GRCh37 (hg19) VCF-style: chr2-169828535-C-T.
Other names: p.Arg487His; NM_003742.4(ABCB11):c.1460G>A; c.1460G>A, p.Arg487His (LRG_1199t1); short protein forms R487H.
Identifiers: ClinVar variation 290081 (VCV000290081.35), dbSNP rs188824058, ClinGen allele CA1951559.
Genomic context (GRCh38, chr2:168,972,025, plus strand): 5'-AGAACTGGCTCTTGCTCCACTATCCCAATCTGATCTCTAAGCCACTGAATGTTAAGAGAG[C>T]GAATGTCATGGCCATCCACGGTCACCTAGAGAGCATGGGCACAACATCACAACTTTTGGA-3'
Protein context (NP_003733.2, residues 477-497): GMVTVDGHDI[Arg487His]SLNIQWLRDQ

ClinVar aggregate classification (germline): Pathogenic/Likely pathogenic. Review status: criteria provided, multiple submitters, no conflicts (2 of 4 stars). 19 submissions from 19 submitters: Pathogenic (10); Likely pathogenic (8). 1 of the submissions does not count toward it. Last evaluated 2026-05-04.

Conditions:
Familial intrahepatic cholestasis. Identifiers: Orphanet 284385, MedGen CN296401, MONDO:0017290.
Cholestasis, intrahepatic, of pregnancy, 3. Identifiers: Orphanet 69665, MedGen C3554241, MONDO:0013995, OMIM 614972.
Progressive familial intrahepatic cholestasis (PFIC). Also called: Progressive intrahepatic cholestasis; Progressive family intrahepatic cholestasis. Identifiers: Orphanet 172, MedGen C0268312, MONDO:0015762.
Benign recurrent intrahepatic cholestasis type 2 (BRIC2). Also called: Recurrent familial intrahepatic cholestasis 2. Identifiers: Orphanet 65682, Orphanet 99961, MedGen C2608083, MONDO:0011559, OMIM 605479.
Progressive familial intrahepatic cholestasis type 2. Identifiers: Orphanet 79304, MedGen C3489789, MONDO:0011156, OMIM 601847.
ABCB11-related disorder. Also called: ABCB11-related condition.

Allele frequency attached by ClinVar (database versions not stated): gnomAD 0.00009 and 0.00013; gnomAD exomes 0.00009; ExAC 0.00012; 1000 Genomes Project 30x 0.00016; ESP Exome Variant Server 0.00016; 1000 Genomes Project 0.00020; TOPMed 0.00022.
gnomAD v4.1: 115 of 1,612,670 alleles (0.0071%); highest among the groups gnomAD compares: Middle Eastern, 0.017%; no homozygotes.

Submissions 1 to 9 of 19:

PreventionGenetics, part of Exact Sciences
Classification: Likely pathogenic for ABCB11-related condition. Last evaluated: 2026-05-04. Review status: criteria provided, single submitter. Criteria: ACMG Guidelines, 2015. Collection method: clinical testing. Allele origin: germline.
Comment: The ABCB11 c.1460G>A variant is predicted to result in the amino acid substitution p.Arg487His. This variant has been reported in the compound heterozygous state with other pathogenic ABCB11 variants in multiple individuals with autosomal recessive familial progressive intrahepatic cholestasis (Goto et al. 2003. PubMed ID: 12717091; Dröge et al. 2017. PubMed ID: 28733223; Turro et al. 2020. PubMed ID: 32581362; Li et al. 2020. PubMed ID: 32808743) Two other missense changes at the same amino acid position have also been reported in individuals with ABCB11-related disorders (p.Arg487Cys, p.Arg487Pro; Strautnieks et al. 2008. PubMed ID: 18395098; Li et al. 2020. PubMed ID: 32808743). This variant is reported in 0.017% of alleles in individuals of European (Non-Finnish) descent in gnomAD. This variant is interpreted as likely pathogenic.

Genomenon, Inc
Classification: Pathogenic for Familial intrahepatic cholestasis. Last evaluated: 2026-04-14. Review status: criteria provided, single submitter. Criteria: Genomenon Sequence Variant Interpretation Standards - Updated. Collection method: curation. Allele origin: germline. Affected: yes.
Comment: ABCB11 p.Arg487His (c.1460G>A) is a missense variant that changes the amino acid at residue 487 from Arginine to Histidine. This variant has been observed in at least one proband with an ABCB11-related disorder (PMID:38665279;32695736;32309332;31745229;28733223;12717091;18692205;26858187;27050426). It has been observed in trans with a pathogenic or likely pathogenic variant (PMID:38665279;12717091;26858187;27050426). At least one functional study has demonstrated a substantial alteration in protein function relative to the wild-type (PMID:31745229). It is absent or not present at a significant frequency in gnomAD. In silico models predict that this variant is possibly or probably damaging. In conclusion, we classify ABCB11 p.Arg487His (c.1460G>A) as a pathogenic variant.

Dasa
Classification: Pathogenic. Last evaluated: 2026-01-05. Review status: criteria provided, single submitter. Criteria: DASA Assertion Criteria. Collection method: clinical testing. Allele origin: germline.
Comment: NM_003742.4(ABCB11):c.1460G>A (p.Arg487His) is a missense variant that results in the substitution of arginine with histidine. The affected residue or protein region has prior evidence supporting clinical relevance. This variant has been observed in affected individuals with related phenotype in a genotype context consistent with recessive disease (PMID: 31745229; PMID: 32309332; PMID: 29104077; PMID: 12717091; PMID: 27050426). Functional evidence supports a deleterious effect on the gene or gene product (PMID: 31745229; PMID: 32309332; PMID: 29104077; PMID: 12717091; PMID: 27050426). This variant has been recurrently observed in individuals with related phenotype (PMID: 31745229; PMID: 32309332; PMID: 29104077; PMID: 12717091; PMID: 27050426). Multiple computational predictions support a deleterious effect on the gene or gene product. The variant is present at low frequency in population datasets. Based on the available data, this variant is classified as pathogenic.

Center for Genomic Medicine, Rigshospitalet, Copenhagen University Hospital
Classification: Pathogenic. Last evaluated: 2025-12-29. Review status: criteria provided, single submitter. Criteria: ACMG Guidelines, 2015. Collection method: clinical testing. Allele origin: germline.

Labcorp Genetics (formerly Invitae), Labcorp
Classification: Pathogenic. Last evaluated: 2025-07-29. Review status: criteria provided, single submitter. Criteria: Invitae Variant Classification Sherloc (09022015). Collection method: clinical testing. Allele origin: germline.
Comment: This sequence change replaces arginine, which is basic and polar, with histidine, which is basic and polar, at codon 487 of the ABCB11 protein (p.Arg487His). This variant is present in population databases (rs188824058, gnomAD 0.02%). This missense change has been observed in individual(s) with chronic cholestasis (PMID: 12717091, 27050426). In at least one individual the data is consistent with being in trans (on the opposite chromosome) from a pathogenic variant. ClinVar contains an entry for this variant (Variation ID: 290081). Invitae Evidence Modeling of protein sequence and biophysical properties (such as structural, functional, and spatial information, amino acid conservation, physicochemical variation, residue mobility, and thermodynamic stability) indicates that this missense variant is expected to disrupt ABCB11 protein function with a positive predictive value of 80%. This variant disrupts the p.Arg487 amino acid residue in ABCB11. Other variant(s) that disrupt this residue have been observed in individuals with ABCB11-related conditions (PMID: 12717091, 18395098, 27050426), which suggests that this may be a clinically significant amino acid residue. For these reasons, this variant has been classified as Pathogenic.

Natera, Inc.
Classification: Pathogenic for Progressive familial intrahepatic cholestasis type 2. Last evaluated: 2025-07-09. Review status: criteria provided, single submitter. Criteria: Natera Variant Classification Schema (03/2026). Collection method: clinical testing. Allele origin: germline.
Comment: The c.1460G>A variant in ABCB11 is a missense variant predicted to cause substitution of arginine to histidine at amino acid 487. This variant is rare in the general population with a frequency below the threshold expected for the associated phenotype(s). This variant has been observed in one or more individuals affected with the associated recessive disease, as either homozygous or compound heterozygous with a second variant (PMID: 12717091, 32808743). Given the available evidence, this variant is classified as Pathogenic.

GeneDx
Classification: Likely pathogenic. Last evaluated: 2025-06-03. Review status: criteria provided, single submitter. Criteria: GeneDx Variant Classification Process June 2021. Collection method: clinical testing. Allele origin: germline. Affected: yes.
Comment: In silico analysis supports that this missense variant has a deleterious effect on protein structure/function; This variant is associated with the following publications: (PMID: 27426735, 15975683, 18692205, 12717091, 29412511, 33750401, 33201677, 18395098, 35153175, 38665279, 28733223, 32581362, 27050426, 32191290, 26858187, 38341604, 32309332, 31745229, 32808743, 36995996, 32695736, 20683201, 29104077)

Laboratory of Genetics, Children's Clinical University Hospital Latvia
Classification: Pathogenic. Last evaluated: 2025-02-16. Review status: criteria provided, single submitter. Criteria: ACMG Guidelines, 2015. Collection method: clinical testing. Allele origin: germline. Affected: yes.

Broad Center for Mendelian Genomics, Broad Institute of MIT and Harvard
Classification: Likely pathogenic for Progressive familial intrahepatic cholestasis type 2. Last evaluated: 2025-01-27. Review status: criteria provided, single submitter. Criteria: ACMG Guidelines, 2015. Collection method: curation. Allele origin: germline. Inheritance: Autosomal recessive inheritance.
Comment: The p.Arg487His variant in ABCB11 has been reported in at least seven individuals with BSEP deficiency (PMID: 12717091, 18692205, 20683201, 26858187, 28733223, 27050426, 32309332), and has been identified in 0.008% (5/59818) of Admixed chromosomes by the Genome Aggregation Database (gnomAD; dbSNP rs188824058). Although this variant has been seen in the general population in a heterozygous state, its frequency is not high enough to rule out a pathogenic role. This variant has also been reported in ClinVar (Variation ID: 290081) and has been interpreted as a variant of uncertain significance by Department Of Genetics Sultan Qaboos University Hospital (Sultan Qaboos University) and as likely pathogenic/pathogenic by multiple other submitters. Of the seven affected individuals, three were compound heterozygotes that carried a reported pathogenic or likely pathogenic variant in trans, which increases the likelihood that the p.Arg487His variant is pathogenic (Variation ID: 1070887, 6596; PMID: 12717091, 28733223, 27050426). In vitro functional studies provide some evidence that the p.Arg487His variant may slightly impact protein function (PMID: 31745229). However, these types of assays may not accurately represent biological function. Computational prediction tools and conservation analyses suggest that this variant may impact the protein, though this information is not predictive enough to determine pathogenicity. In summary, although additional studies are required to fully establish its clinical significance, this variant is likely pathogenic for autosomal recessive BSEP deficiency. ACMG/AMP Criteria applied: PM3_strong, PS3_supporting, PP3 (Richards 2015).